The following is an entry in ClinVar:

ClinVar aggregate classification (germline): Uncertain significance. Review status: criteria provided, multiple submitters, no conflicts (2 of 4 stars). 2 submissions from 2 submitters: Uncertain significance (2). Last evaluated 2025-12-02.

Conditions:
AFF2-related disorder. Also called: AFF2-related condition.
Inborn genetic diseases. Identifiers: MedGen C0950123, MeSH D030342.

gnomAD v4.1: 3 of 1,210,354 alleles (0.00025%); highest among the groups gnomAD compares: Non-Finnish European, 0.00034%; no homozygotes.

Submissions (2):

Ambry Genetics
Classification: Uncertain significance for Inborn genetic diseases. Last evaluated: 2025-12-02. Review status: criteria provided, single submitter. Criteria: Ambry Variant Classification Scheme 2023. Collection method: clinical testing. Allele origin: germline.

PreventionGenetics, part of Exact Sciences
Classification: Uncertain significance for AFF2-related condition. Last evaluated: 2025-01-10. Review status: criteria provided, single submitter. Criteria: ACMG Guidelines, 2015. Collection method: clinical testing. Allele origin: germline.
Comment: The AFF2 c.727G>C variant is predicted to result in the amino acid substitution p.Glu243Gln. To our knowledge, this variant has not been reported in the literature. This variant is reported in 0.0012% of alleles in individuals of European (Non-Finnish) descent in gnomAD. At this time, the clinical significance of this variant is uncertain due to the absence of conclusive functional and genetic evidence.

NM_002025.4(AFF2):c.727G>C (p.Glu243Gln)

Gene: AFF2 (ALF transcription elongation factor 2; plus strand). Cytogenetic location: Xq28.
Variant type: single nucleotide variant.
Coding change: c.727G>C on transcript NM_002025.4 (MANE Select); coding-DNA position 727, G replaced by C.
Protein change: p.Glu243Gln; replaces glutamic acid 243 with glutamine.
Molecular consequence: missense variant.
Genome position (GRCh38, 1-based): chrX:148,662,454, G>C. VCF-style: chrX-148662454-G-C. GRCh37 (hg19) VCF-style: chrX-147743975-G-C.
Other names: c.715G>C, p.Glu239Gln (NM_001169123.2, NM_001169125.2, NM_001169122.2); c.727G>C, p.Glu243Gln (NM_001169124.2); short protein forms E239Q, E243Q.
Identifiers: ClinVar variation 4571219 (VCV004571219.2).